The following is an entry in ClinVar:

NM_001023570.4(IQCB1):c.101-1G>T

Gene: IQCB1 (IQ motif containing B1; minus strand). Cytogenetic location: 3q13.33.
Variant type: single nucleotide variant.
Coding change: c.101-1G>T on transcript NM_001023570.4 (MANE Select); the canonical splice acceptor site of the intron before coding-DNA position 101, G replaced by T.
Molecular consequence: splice acceptor variant.
Genome position (GRCh38, 1-based): chr3:121,828,633, C>A on the plus strand (G>T on the coding strand, the complement: IQCB1 is on the minus strand). VCF-style: chr3-121828633-C-A. GRCh37 (hg19) VCF-style: chr3-121547480-C-A.
Other names: c.101-1G>T (NM_001319107.2, NM_001023571.4).
Identifiers: ClinVar variation 1953741 (VCV001953741.5), dbSNP rs1372024420, ClinGen allele CA354114487.

ClinVar aggregate classification (germline): Likely pathogenic (1 of 4 stars; one submission).

Conditions:
Nephronophthisis. Also called: Juvenile Nephronophthisis. Identifiers: Orphanet 655, MedGen C0687120, MONDO:0019005, HP:0000090.

gnomAD v4.1: 1 of 1,586,544 alleles (0.000063%); highest among the groups gnomAD compares: Admixed American, 0.0017%; no homozygotes.

Submission:

Labcorp Genetics (formerly Invitae), Labcorp
Classification: Likely pathogenic for Nephronophthisis. Last evaluated: 2022-10-11. Review status: criteria provided, single submitter. Criteria: Invitae Variant Classification Sherloc (09022015). Collection method: clinical testing. Allele origin: germline.
Comment: In summary, the currently available evidence indicates that the variant is pathogenic, but additional data are needed to prove that conclusively. Therefore, this variant has been classified as Likely Pathogenic. Algorithms developed to predict the effect of sequence changes on RNA splicing suggest that this variant may disrupt the consensus splice site. This variant has not been reported in the literature in individuals affected with IQCB1-related conditions. This variant is present in population databases (no rsID available, gnomAD 0.003%). This sequence change affects an acceptor splice site in intron 3 of the IQCB1 gene. It is expected to disrupt RNA splicing. Variants that disrupt the donor or acceptor splice site typically lead to a loss of protein function (PMID: 16199547), and loss-of-function variants in IQCB1 are known to be pathogenic (PMID: 15723066, 21901789, 23559409, 28041643).

Literature cited by the submitters: PubMed 16199547; PubMed 15723066; PubMed 21901789; PubMed 23559409; PubMed 28041643.